The following is an entry in ClinVar:

NM_000138.5(FBN1):c.7769G>A (p.Cys2590Tyr)

Gene: FBN1 (fibrillin 1; minus strand). Cytogenetic location: 15q21.1.
Variant type: single nucleotide variant.
Coding change: c.7769G>A on transcript NM_000138.5 (MANE Select); coding-DNA position 7769, G replaced by A.
Protein change: p.Cys2590Tyr; replaces cysteine 2590 with tyrosine.
Molecular consequence: missense variant.
Genome position (GRCh38, 1-based): chr15:48,420,737, C>T on the plus strand (G>A on the coding strand, the complement: FBN1 is on the minus strand). VCF-style: chr15-48420737-C-T. GRCh37 (hg19) VCF-style: chr15-48712934-C-T.
Other names: short protein forms C2590Y.
Identifiers: ClinVar variation 222614 (VCV000222614.18), dbSNP rs869025416, ClinGen allele CA353648.
Genomic context (GRCh38, chr15:48,420,737, plus strand): 5'-AGTTACTTGCCAACACACTGGTTCCACTGGTAGTGCTGGAGGTAGCCCTGGGGGCAGCTG[C>T]ACCTGTAGCCCCCAATGATGTTCTGGCAGCCATGCTGGCAGCGGTGGTTACCCTCACACT-3'
Protein context (NP_000129.3, residues 2580-2600): GCQNIIGGYR[Cys2590Tyr]SCPQGYLQHY

ClinVar aggregate classification (germline): Pathogenic/Likely pathogenic. Review status: criteria provided, multiple submitters, no conflicts (2 of 4 stars). 4 submissions from 4 submitters: Pathogenic (2); Likely pathogenic (2). Last evaluated 2026-03-09.

Conditions:
Marfan syndrome (MFS). Also called: Marfan's syndrome; Marfan syndrome, classic; MARFAN SYNDROME, TYPE I; FBN1-Related Marfan Syndrome; Marfan syndrome type 1. Identifiers: Orphanet 284963, Orphanet 558, MedGen C0024796, MONDO:0007947, OMIM 154700.
Familial thoracic aortic aneurysm and aortic dissection (TAAD). Also called: Thoracic aortic aneurysms and dissections. Identifiers: Orphanet 91387, MedGen C4707243, MONDO:0019625.
FBN1-related disorder. Also called: FBN1-related disorders.

Submissions (4):

Ambry Genetics
Classification: Likely pathogenic for Familial thoracic aortic aneurysm and aortic dissection. Last evaluated: 2026-03-09. Review status: criteria provided, single submitter. Criteria: Ambry Variant Classification Scheme 2023. Collection method: clinical testing. Allele origin: germline.
Comment: The p.C2590Y variant (also known as c.7769G>A), located in coding exon 62 of the FBN1 gene, results from a G to A substitution at nucleotide position 7769. The cysteine at codon 2590 is replaced by tyrosine, an amino acid with highly dissimilar properties. This variant was reported in individual(s) with features consistent with Marfan syndrome and related fibrillinopathies; in at least one individual, it was determined to be de novo (Stheneur C et al. Eur J Hum Genet, 2009 Sep;17:1121-8; Li J et al. Sci China Life Sci, 2019 Dec;62:1630-1637; Stengl R et al. Orphanet J Rare Dis, 2020 Oct;15:290; Ambry internal data). This amino acid position is highly conserved in available vertebrate species. In addition, this alteration is predicted to be deleterious by in silico analysis. This variant is considered to be rare based on population cohorts in the Genome Aggregation Database (gnomAD). Based on the majority of available evidence to date, this variant is likely to be pathogenic.

CeGaT Center for Human Genetics Tuebingen
Classification: Likely pathogenic. Last evaluated: 2025-09-01. Review status: criteria provided, single submitter. Criteria: CeGaT Center For Human Genetics Tuebingen Variant Classification Criteria Version 2. Collection method: clinical testing. Allele origin: germline. Affected: yes. Observed: 1 variant allele.
Comment: FBN1: PM2, PS2:Moderate, PS4:Moderate, PP3

Blueprint Genetics
Classification: Pathogenic for FBN1-related disorders. Last evaluated: 2024-06-18. Review status: criteria provided, single submitter. Criteria: ACMG Guidelines, 2015. Collection method: clinical testing. Allele origin: germline. Affected: yes. Observed: 2 variant alleles.

Labcorp Genetics (formerly Invitae), Labcorp
Classification: Pathogenic for Marfan syndrome; Familial thoracic aortic aneurysm and aortic dissection. Last evaluated: 2024-01-03. Review status: criteria provided, single submitter. Criteria: Invitae Variant Classification Sherloc (09022015). Collection method: clinical testing. Allele origin: germline.
Comment: This sequence change replaces cysteine, which is neutral and slightly polar, with tyrosine, which is neutral and polar, at codon 2590 of the FBN1 protein (p.Cys2590Tyr). This variant is not present in population databases (gnomAD no frequency). This missense change has been observed in individual(s) with clinical features of Marfan syndrome (PMID: 19293843, 22913777). ClinVar contains an entry for this variant (Variation ID: 222614). Advanced modeling of protein sequence and biophysical properties (such as structural, functional, and spatial information, amino acid conservation, physicochemical variation, residue mobility, and thermodynamic stability) performed at Invitae indicates that this missense variant is expected to disrupt FBN1 protein function with a positive predictive value of 95%. Algorithms developed to predict the effect of sequence changes on RNA splicing suggest that this variant may disrupt the consensus splice site. This variant affects a cysteine residue in the EGF-like, TGFBP or hybrid motif domains of FBN1. Cysteine residues are believed to be involved in intramolecular disulfide bridges and have been shown to be important for FBN1 protein structure (PMID: 16905551, 19349279). In addition, missense substitutions affecting cysteine residues within these domains are significantly overrepresented among patients with Marfan syndrome (PMID: 16571647, 17701892). For these reasons, this variant has been classified as Pathogenic.

Literature cited by the submitters: PubMed 19293843 (cited by Ambry Genetics and Labcorp Genetics (formerly Invitae), Labcorp); PubMed 31098894 (cited by Ambry Genetics); PubMed 33059708 (cited by Ambry Genetics); PubMed 22913777 (cited by Labcorp Genetics (formerly Invitae), Labcorp); PubMed 16905551 (cited by Labcorp Genetics (formerly Invitae), Labcorp); PubMed 19349279 (cited by Labcorp Genetics (formerly Invitae), Labcorp); PubMed 16571647 (cited by Labcorp Genetics (formerly Invitae), Labcorp); PubMed 17701892 (cited by Labcorp Genetics (formerly Invitae), Labcorp).